The following is an entry in ClinVar:

NM_001184880.2(PCDH19):c.1014C>T (p.Asp338=)

Gene: PCDH19 (protocadherin 19; minus strand). Cytogenetic location: Xq22.1.
Variant type: single nucleotide variant.
Coding change: c.1014C>T on transcript NM_001184880.2 (MANE Select); coding-DNA position 1014, C replaced by T.
Protein change: p.Asp338=; no amino-acid change (aspartic acid 338 retained).
Molecular consequence: synonymous variant.
Genome position (GRCh38, 1-based): chrX:100,407,584, G>A on the plus strand (C>T on the coding strand, the complement: PCDH19 is on the minus strand). VCF-style: chrX-100407584-G-A. GRCh37 (hg19) VCF-style: chrX-99662582-G-A.
Other names: c.1014C>T, p.Asp338= (NM_001105243.2, NM_020766.3).
Identifiers: ClinVar variation 2661029 (VCV002661029.26), dbSNP rs2520987052, ClinGen allele CA517748226.

ClinVar aggregate classification (germline): Likely benign. Review status: criteria provided, multiple submitters, no conflicts (2 of 4 stars). 2 submissions from 2 submitters: Likely benign (2). Last evaluated 2025-10-02.

Conditions:
Developmental and epileptic encephalopathy, 9 (DEE9). Also called: Early infantile epileptic encephalopathy 9; EPILEPSY, FEMALE-RESTRICTED, WITH MENTAL RETARDATION; JUBERG-HELLMAN SYNDROME; PCDH19-Related X-Linked Female-Limited Epilepsy with Mental Retardation. Identifiers: Orphanet 101039, Orphanet 2076, MedGen C1848137, MONDO:0010246, OMIM 300088. Disease mechanism: loss of function.

Allele frequency attached by ClinVar (database versions not stated): gnomAD exomes 0.00001.
gnomAD v4.1: 3 of 1,211,515 alleles (0.00025%); highest among the groups gnomAD compares: Non-Finnish European, 0.00034%; no homozygotes.

Submissions (2):

Labcorp Genetics (formerly Invitae), Labcorp
Classification: Likely benign for Developmental and epileptic encephalopathy, 9. Last evaluated: 2025-10-02. Review status: criteria provided, single submitter. Criteria: Invitae Variant Classification Sherloc (09022015). Collection method: clinical testing. Allele origin: germline.

CeGaT Center for Human Genetics Tuebingen
Classification: Likely benign. Last evaluated: 2022-06-01. Review status: criteria provided, single submitter. Criteria: CeGaT Center For Human Genetics Tuebingen Variant Classification Criteria Version 2. Collection method: clinical testing. Allele origin: germline. Affected: yes. Observed: 1 variant allele.
Comment: PCDH19: PM2:Supporting, BP4, BP7